The following is an entry in ClinVar:

NM_001258392.3(CLPB):c.312G>C (p.Trp104Cys)

Genes: CLPB (ClpB family mitochondrial disaggregase; minus strand), LOC130006336 (ATAC-STARR-seq lymphoblastoid active region 5191; plus strand). Cytogenetic location: 11q13.4.
Variant type: single nucleotide variant.
Coding change: c.312G>C on transcript NM_001258392.3 (MANE Select); coding-DNA position 312, G replaced by C.
Protein change: p.Trp104Cys; replaces tryptophan 104 with cysteine.
Molecular consequence: missense variant.
Genome position (GRCh38, 1-based): chr11:72,434,163, C>G on the plus strand (G>C on the coding strand, the complement: CLPB is on the minus strand). VCF-style: chr11-72434163-C-G. GRCh37 (hg19) VCF-style: chr11-72145207-C-G.
Other names: c.312G>C, p.Trp104Cys (NM_001258393.3, NM_030813.6); c.70G>C, p.Glu24Gln (NM_001258394.3); short protein forms E24Q, W104C.
Identifiers: ClinVar variation 1321644 (VCV001321644.5), dbSNP rs747589481, ClinGen allele CA6171629.
Genomic context (GRCh38, chr11:72,434,163, plus strand): 5'-AACCACCAGCGCTGCGGCCAGGGCGCACATGCCCAGTCCGGCCCTGCTGGGGACCCCGTT[C>G]CAGCTGTCCTGTCCTGGGAGTGTTTCTTCGGGACCAGGAAGGCGTCCCCAAGTGGCAGCC-3'
Protein context (NP_001245321.1, residues 94-114): PEETLPGQDS[Trp104Cys]NGVPSRAGLG

ClinVar aggregate classification (germline): Uncertain significance. Review status: criteria provided, multiple submitters, no conflicts (2 of 4 stars). 2 submissions from 2 submitters: Uncertain significance (2). Last evaluated 2025-07-24.

Conditions:
3-methylglutaconic aciduria, type VIIB (MGCA7B). Also called: CLPB Deficiency; 3-methylglutaconic aciduria with cataracts, neurologic involvement and neutropenia; 3-methylglutaconic aciduria, type VII, with cataracts, neurologic involvement and neutropenia. Identifiers: Orphanet 445038, MedGen C5676893, MONDO:0014561, OMIM 616271.

Allele frequency attached by ClinVar (database versions not stated): gnomAD exomes below 0.00001 and 0.00001; TOPMed below 0.00001; ExAC 0.00001.
gnomAD v4.1: 2 of 1,613,088 alleles (0.00012%); highest among the groups gnomAD compares: Admixed American, 0.0033%; no homozygotes.

Submissions (2):

Labcorp Genetics (formerly Invitae), Labcorp
Classification: Uncertain significance for 3-methylglutaconic aciduria, type VIIB. Last evaluated: 2025-07-24. Review status: criteria provided, single submitter. Criteria: Invitae Variant Classification Sherloc (09022015). Collection method: clinical testing. Allele origin: germline.
Comment: This sequence change replaces tryptophan, which is neutral and slightly polar, with cysteine, which is neutral and slightly polar, at codon 104 of the CLPB protein (p.Trp104Cys). This variant is present in population databases (rs747589481, gnomAD 0.006%). This variant has not been reported in the literature in individuals affected with CLPB-related conditions. ClinVar contains an entry for this variant (Variation ID: 1321644). An algorithm developed to predict the effect of missense changes on protein structure and function (PolyPhen-2) suggests that this variant is likely to be disruptive. In summary, the available evidence is currently insufficient to determine the role of this variant in disease. Therefore, it has been classified as a Variant of Uncertain Significance.

GeneDx
Classification: Uncertain significance. Last evaluated: 2021-11-06. Review status: criteria provided, single submitter. Criteria: GeneDx Variant Classification Process June 2021. Collection method: clinical testing. Allele origin: germline. Affected: yes.
Comment: Not observed at significant frequency in large population cohorts (Lek et al., 2016); In silico analysis supports that this missense variant does not alter protein structure/function; Has not been previously published as pathogenic or benign to our knowledge